The following is an entry in ClinVar:

ClinVar aggregate classification (germline): Uncertain significance (1 of 4 stars; one submission).

Conditions:
NRP2-related disorder. Also called: NRP2-related condition.

gnomAD v4.1: 9 of 1,614,090 alleles (0.00056%); highest among the groups gnomAD compares: African/African-American, 0.0013%; no homozygotes.

Submission:

PreventionGenetics, part of Exact Sciences
Classification: Uncertain significance for NRP2-related condition. Last evaluated: 2025-03-10. Review status: criteria provided, single submitter. Criteria: ACMG Guidelines, 2015. Collection method: clinical testing. Allele origin: germline.
Comment: The NRP2 c.470A>G variant is predicted to result in the amino acid substitution p.Asn157Ser. To our knowledge, this variant has not been reported in the literature. This variant is reported in 0.0040% of alleles in individuals of African descent in gnomAD. At this time, the clinical significance of this variant is uncertain due to the absence of conclusive functional and genetic evidence.

NM_003872.3(NRP2):c.470A>G (p.Asn157Ser)

Gene: NRP2 (neuropilin 2; plus strand). Cytogenetic location: 2q33.3.
Variant type: single nucleotide variant.
Coding change: c.470A>G on transcript NM_003872.3 (MANE Select); coding-DNA position 470, A replaced by G.
Protein change: p.Asn157Ser; replaces asparagine 157 with serine.
Molecular consequence: missense variant.
Genome position (GRCh38, 1-based): chr2:205,722,514, A>G. VCF-style: chr2-205722514-A-G. GRCh37 (hg19) VCF-style: chr2-206587238-A-G.
Other names: c.470A>G, p.Asn157Ser (NM_018534.4, NM_201264.2, NM_201266.2 and 2 more transcripts); short protein forms N157S.
Identifiers: ClinVar variation 4984523 (VCV004984523.1).